The following is an entry in ClinVar:

ClinVar aggregate classification (germline): Benign. Review status: criteria provided, multiple submitters, no conflicts (2 of 4 stars). 2 submissions from 2 submitters: Benign (2). Last evaluated 2018-01-13.

Conditions:
Gamma-aminobutyric acid transaminase deficiency (GABATD). Also called: GABA aminotransaminase deficiency; GABA transaminase deficiency; Gamma aminobutyrate transaminase deficiency; 4 alpha aminobutyrate transaminase deficiency. Identifiers: Orphanet 2066, MedGen C0342708, MONDO:0013166, OMIM 613163.

Allele frequency attached by ClinVar (database versions not stated): 1000 Genomes Project 0.02256; 1000 Genomes Project 30x 0.02264; TOPMed 0.04478; gnomAD 0.04492 and 0.04725; gnomAD exomes 0.07692.
gnomAD v4.1: 7,059 of 152,312 alleles (4.6%); highest among the groups gnomAD compares: Middle Eastern, 12%; 250 homozygotes.

Submissions (2):

Illumina Laboratory Services, Illumina
Classification: Benign for Gamma-aminobutyric acid transaminase deficiency. Last evaluated: 2018-01-13. Review status: criteria provided, single submitter. Criteria: ICSL Variant Classification Criteria 13 December 2019. Collection method: clinical testing. Allele origin: germline.
Comment: This variant was observed in the ICSL laboratory as part of a predisposition screen in an ostensibly healthy population. It had not been previously curated by ICSL or reported in the Human Gene Mutation Database (HGMD: prior to June 1st, 2018), and was therefore a candidate for classification through an automated scoring system. Utilizing variant allele frequency, disease prevalence and penetrance estimates, and inheritance mode, an automated score was calculated to assess if this variant is too frequent to cause the disease. Based on the score and internal cut-off values, a variant classified as benign is not then subjected to further curation. The score for this variant resulted in a classification of benign for this disease.

Breakthrough Genomics
Classification: Benign. Review status: criteria provided, single submitter. Criteria: ACMG Guidelines, 2015. Collection method: not provided. Allele origin: germline. Inheritance: Autosomal recessive inheritance. Affected: yes.

NM_020686.6(ABAT):c.*1333A>G

Gene: ABAT (4-aminobutyrate aminotransferase; plus strand). Cytogenetic location: 16p13.2.
Variant type: single nucleotide variant.
Coding change: c.*1333A>G on transcript NM_020686.6 (MANE Select); 1333 bases downstream of the stop codon, A replaced by G.
Molecular consequence: 3 prime UTR variant.
Genome position (GRCh38, 1-based): chr16:8,782,763, A>G. VCF-style: chr16-8782763-A-G. GRCh37 (hg19) VCF-style: chr16-8876620-A-G.
Other names: c.*1333A>G (NM_000663.5, NM_001127448.2, NM_001386600.1 and 14 more transcripts); c.*1347A>G (NM_001386609.1, NM_001386616.1).
Identifiers: ClinVar variation 321117 (VCV000321117.6), dbSNP rs17566580, ClinGen allele CA10638533.